The following is an entry in ClinVar:

ClinVar aggregate classification (germline): Likely benign (1 of 4 stars; one submission).

Allele frequency attached by ClinVar (database versions not stated): 1000 Genomes Project 30x 0.00281; 1000 Genomes Project 0.00319; TOPMed 0.00321; ESP Exome Variant Server 0.00369; gnomAD 0.00491; gnomAD exomes 0.00583; ExAC 0.00623.

Submission:

CeGaT Center for Human Genetics Tuebingen
Classification: Likely benign. Last evaluated: 2023-02-01. Review status: criteria provided, single submitter. Criteria: CeGaT Center For Human Genetics Tuebingen Variant Classification Criteria Version 2. Collection method: clinical testing. Allele origin: germline. Affected: yes. Observed: 1 variant allele.
Comment: SYNGR4: BP4, BS2

NM_012451.4(SYNGR4):c.395C>T (p.Pro132Leu)

Gene: SYNGR4 (synaptogyrin 4; plus strand). Cytogenetic location: 19q13.33.
Variant type: single nucleotide variant.
Coding change: c.395C>T on transcript NM_012451.4 (MANE Select); coding-DNA position 395, C replaced by T.
Protein change: p.Pro132Leu; replaces proline 132 with leucine.
Molecular consequence: missense variant.
Genome position (GRCh38, 1-based): chr19:48,375,676, C>T. VCF-style: chr19-48375676-C-T. GRCh37 (hg19) VCF-style: chr19-48878933-C-T.
Other names: short protein forms P132L.
Identifiers: ClinVar variation 2650197 (VCV002650197.24), dbSNP rs34058038, ClinGen allele CA9550008.